The following is an entry in ClinVar:

NM_004364.5(CEBPA):c.625C>T (p.Gln209Ter)

Gene: CEBPA (CCAAT enhancer binding protein alpha; minus strand). Cytogenetic location: 19q13.11.
Variant type: single nucleotide variant.
Coding change: c.625C>T on transcript NM_004364.5 (MANE Select); coding-DNA position 625, C replaced by T.
Protein change: p.Gln209Ter; replaces glutamine 209 with a stop codon.
Molecular consequence: nonsense.
Genome position (GRCh38, 1-based): chr19:33,301,790, G>A on the plus strand (C>T on the coding strand, the complement: CEBPA is on the minus strand). VCF-style: chr19-33301790-G-A. GRCh37 (hg19) VCF-style: chr19-33792696-G-A.
Other names: c.268C>T, p.Gln90Ter (NM_001285829.2); c.730C>T, p.Gln244Ter (NM_001287424.2); c.583C>T, p.Gln195Ter (NM_001287435.2); short protein forms Q195*, Q209*, Q244*, Q90*.
Identifiers: ClinVar variation 3831164 (VCV003831164.1).

ClinVar aggregate classification (germline): Uncertain significance (1 of 4 stars; one submission).

Conditions:
Inborn genetic diseases. Identifiers: MedGen C0950123, MeSH D030342.

Submission:

Ambry Genetics
Classification: Uncertain significance for Inborn genetic diseases. Last evaluated: 2024-12-23. Review status: criteria provided, single submitter. Criteria: Ambry Variant Classification Scheme 2023. Collection method: clinical testing. Allele origin: germline.
Comment: The p.Q209* variant (also known as c.625C>T), located in coding exon 1 of the CEBPA gene, results from a C to T substitution at nucleotide position 625. This changes the amino acid from a glutamine to a stop codon within coding exon 1. Nonsense variants are typically deleterious in nature; however, because CEBPA is a single-exon gene, this alteration is not expected to trigger nonsense-mediated mRNA decay and an altered protein could still be expressed (Maquat LE. Nat Rev Mol Cell Biol, 2004 Feb;5:89-99). This alteration impacts the last 42% of the protein. This shortened protein is unlikely to be functional. However, loss of function of CEBPA has not been established as a mechanism of disease. Based on the available evidence, the clinical significance of this alteration remains unclear.